The following is an entry in ClinVar:

ClinVar aggregate classification (germline): Uncertain significance (1 of 4 stars; one submission).

Conditions:
Intellectual developmental disorder, autosomal dominant 52. Also called: Intellectual disability, autosomal dominant 52; Mental retardation, autosomal dominant 52. Identifiers: MedGen C4540478, MONDO:0030918, OMIM 617796.

Allele frequency attached by ClinVar (database versions not stated): gnomAD 0.00001.
gnomAD v4.1: 1 of 1,613,970 alleles (0.000062%); highest among the groups gnomAD compares: African/African-American, 0.0013%; no homozygotes.

Submission:

New York Genome Center
Classification: Uncertain significance for Intellectual developmental disorder, autosomal dominant 52. Last evaluated: 2020-03-26. Review status: criteria provided, single submitter. Criteria: NYGC Assertion Criteria 2020. Collection method: clinical testing. Allele origin: germline. Observed: 1 heterozygote. Study: CSER-NYCKidSeq.
Comment: The c.2654C>A (p.Pro885His) variant identified in the ASH1L gene substitutes a well conserved Proline for Histidine at amino acid 885/2965 (coding exon 3/28). This variant is found with low frequency in gnomAD (1 heterozygote, 0 homozygotes; allele frequency: 3.19e-5) suggesting it is not a common benign variant in the populations represented in this database. In silico algorithms do not agree on the effect of this variant, as it is reported both Neutral (Provean; score: -2.31) and Damaging (SIFT; score: 0.000) to the function of the canonical transcript. This variant is absent from ClinVar and to our current knowledge has not been reported in affected individuals in the literature. The p.Pro885 residue is not within a mapped domain of ASH1L (UniProtKB: Q9NR48). Given the lack of compelling evidence for its pathogenicity, the c.2654C>A (p.Pro885His) variant identified in the ASH1L gene is reported here as a Variant of Uncertain Significance.

NM_018489.3(ASH1L):c.2654C>A (p.Pro885His)

Gene: ASH1L (ASH1 like histone lysine methyltransferase; minus strand). Cytogenetic location: 1q22.
Variant type: single nucleotide variant.
Coding change: c.2654C>A on transcript NM_018489.3 (MANE Select); coding-DNA position 2654, C replaced by A.
Protein change: p.Pro885His; replaces proline 885 with histidine.
Molecular consequence: missense variant.
Genome position (GRCh38, 1-based): chr1:155,480,216, G>T on the plus strand (C>A on the coding strand, the complement: ASH1L is on the minus strand). VCF-style: chr1-155480216-G-T. GRCh37 (hg19) VCF-style: chr1-155450007-G-T.
Other names: c.2654C>A, p.Pro885His (NM_001366177.2); short protein forms P885H.
Identifiers: ClinVar variation 978171 (VCV000978171.2), dbSNP rs868289176, ClinGen allele CA342722983.